The following is an entry in ClinVar:

ClinVar aggregate classification (germline): Uncertain significance. Review status: criteria provided, multiple submitters, no conflicts (2 of 4 stars). 5 submissions from 3 submitters: Uncertain significance (5). Last evaluated 2024-05-15.

Conditions:
Cardiovascular phenotype. Identifiers: MedGen CN230736.
Cardiomyopathy, familial restrictive, 3. Identifiers: Orphanet 75249, MedGen C2676271, MONDO:0012900, OMIM 612422.
Hypertrophic cardiomyopathy 2. Also called: TNNT2-Related Familial Hypertrophic Cardiomyopathy. Identifiers: MedGen C1861864, MONDO:0007266, OMIM 115195.
Dilated cardiomyopathy 1D. Identifiers: Orphanet 154, Orphanet 54260, MedGen C1832243, MONDO:0011095, OMIM 601494.

Submissions (5):

Labcorp Genetics (formerly Invitae), Labcorp
Classification: Uncertain significance for Cardiomyopathy, familial restrictive, 3; Hypertrophic cardiomyopathy 2; Dilated cardiomyopathy 1D. Last evaluated: 2024-05-15. Review status: criteria provided, single submitter. Criteria: Invitae Variant Classification Sherloc (09022015). Collection method: clinical testing. Allele origin: germline.
Comment: This sequence change replaces lysine, which is basic and polar, with glutamic acid, which is acidic and polar, at codon 78 of the TNNT2 protein (p.Lys78Glu). This variant is not present in population databases (gnomAD no frequency). This variant has not been reported in the literature in individuals affected with TNNT2-related conditions. ClinVar contains an entry for this variant (Variation ID: 1024686). Advanced modeling of protein sequence and biophysical properties (such as structural, functional, and spatial information, amino acid conservation, physicochemical variation, residue mobility, and thermodynamic stability) performed at Invitae indicates that this missense variant is expected to disrupt TNNT2 protein function with a positive predictive value of 95%. In summary, the available evidence is currently insufficient to determine the role of this variant in disease. Therefore, it has been classified as a Variant of Uncertain Significance.

Genome-Nilou Lab
Classification: Uncertain significance for Dilated cardiomyopathy 1D. Last evaluated: 2023-04-11. Review status: criteria provided, single submitter. Criteria: ACMG Guidelines, 2015. Collection method: clinical testing. Allele origin: germline. Affected: no.

Genome-Nilou Lab
Classification: Uncertain significance for Cardiomyopathy, familial restrictive, 3. Last evaluated: 2023-04-11. Review status: criteria provided, single submitter. Criteria: ACMG Guidelines, 2015. Collection method: clinical testing. Allele origin: germline. Affected: no.

Genome-Nilou Lab
Classification: Uncertain significance for Hypertrophic cardiomyopathy 2. Last evaluated: 2023-04-11. Review status: criteria provided, single submitter. Criteria: ACMG Guidelines, 2015. Collection method: clinical testing. Allele origin: germline. Affected: no.

Ambry Genetics
Classification: Uncertain significance for Cardiovascular phenotype. Last evaluated: 2022-05-02. Review status: criteria provided, single submitter. Criteria: Ambry Variant Classification Scheme 2023. Collection method: clinical testing. Allele origin: germline.
Comment: The p.K78E variant (also known as c.232A>G), located in coding exon 7 of the TNNT2 gene, results from an A to G substitution at nucleotide position 232. The lysine at codon 78 is replaced by glutamic acid, an amino acid with similar properties. This amino acid position is conserved. In addition, this alteration is predicted to be deleterious by in silico analysis. Since supporting evidence is limited at this time, the clinical significance of this alteration remains unclear.

NM_001276345.2(TNNT2):c.262A>G (p.Lys88Glu)

Gene: TNNT2 (troponin T2, cardiac type; minus strand). Cytogenetic location: 1q32.1.
Variant type: single nucleotide variant.
Coding change: c.262A>G on transcript NM_001276345.2 (MANE Select); coding-DNA position 262, A replaced by G.
Protein change: p.Lys88Glu; replaces lysine 88 with glutamic acid.
Molecular consequence: missense variant.
Genome position (GRCh38, 1-based): chr1:201,365,642, T>C on the plus strand (A>G on the coding strand, the complement: TNNT2 is on the minus strand). VCF-style: chr1-201365642-T-C. GRCh37 (hg19) VCF-style: chr1-201334770-T-C.
Other names: c.262A>G, p.Lys88Glu (NM_000364.4); c.232A>G, p.Lys78Glu (NM_001001430.3, NM_001001431.3, NM_001276347.2); c.217A>G, p.Lys73Glu (NM_001001432.3); c.259A>G, p.Lys87Glu (NM_001276346.2); short protein forms K73E, K78E, K87E, K88E.
Identifiers: ClinVar variation 1024686 (VCV001024686.11), dbSNP rs1659525886, ClinGen allele CA344206692.